The following is an entry in ClinVar:

NM_001127222.2(CACNA1A):c.2734C>T (p.Gln912Ter)

Gene: CACNA1A (calcium voltage-gated channel subunit alpha1 A; minus strand). Cytogenetic location: 19p13.13.
Variant type: single nucleotide variant.
Coding change: c.2734C>T on transcript NM_001127222.2 (MANE Select); coding-DNA position 2734, C replaced by T.
Protein change: p.Gln912Ter; replaces glutamine 912 with a stop codon.
Molecular consequence: nonsense.
Genome position (GRCh38, 1-based): chr19:13,298,899, G>A on the plus strand (C>T on the coding strand, the complement: CACNA1A is on the minus strand). VCF-style: chr19-13298899-G-A. GRCh37 (hg19) VCF-style: chr19-13409713-G-A.
Other names: c.2746C>T, p.Gln916Ter (NM_000068.4, NM_023035.3); c.2737C>T, p.Gln913Ter (NM_001127221.2, NM_001174080.2); c.2737C>T (NM_001127221.1); short protein forms Q913*, Q916*, Q912*.
Identifiers: ClinVar variation 446911 (VCV000446911.2), dbSNP rs1555756161, ClinGen allele CA404342824.

ClinVar aggregate classification (germline): Pathogenic. Review status: criteria provided, multiple submitters, no conflicts (2 of 4 stars). 2 submissions from 2 submitters: Pathogenic (2). Last evaluated 2025-08-07.

Submissions (2):

GeneDx
Classification: Pathogenic. Last evaluated: 2025-08-07. Review status: criteria provided, single submitter. Criteria: GeneDx Variant Classification Process June 2021. Collection method: clinical testing. Allele origin: germline. Affected: yes.
Comment: Nonsense variant predicted to result in protein truncation or nonsense mediated decay in a gene for which loss of function is a known mechanism of disease; Not observed at significant frequency in large population cohorts (gnomAD); Has not been previously published as pathogenic or benign to our knowledge

Athena Diagnostics
Classification: Pathogenic. Last evaluated: 2016-12-30. Review status: criteria provided, single submitter. Criteria: Athena Diagnostics Criteria. Collection method: clinical testing. Allele origin: germline.